The following is an entry in ClinVar:

ClinVar aggregate classification (germline): Likely benign. Review status: criteria provided, single submitter (1 of 4 stars). 2 submissions from 2 submitters: Likely benign (1). 1 of the submissions does not count toward it. Last evaluated 2024-11-19.

Conditions:
FAT2-related disorder. Also called: FAT2-related condition.

Allele frequency attached by ClinVar (database versions not stated): TOPMed 0.00003; gnomAD 0.00018; gnomAD exomes 0.00042; ExAC 0.00100; 1000 Genomes Project 30x 0.00156; 1000 Genomes Project 0.00200.
gnomAD v4.1: 654 of 1,614,130 alleles (0.041%); highest among the groups gnomAD compares: South Asian, 0.66%; 9 homozygotes.

Submissions (2):

Blueprint Genetics
Classification: Likely benign. Last evaluated: 2024-11-19. Review status: criteria provided, single submitter. Criteria: ACMG Guidelines, 2015. Collection method: clinical testing. Allele origin: germline.

PreventionGenetics, part of Exact Sciences
Classification: Benign for FAT2-related condition. Last evaluated: 2019-03-14. Review status: no assertion criteria provided. Collection method: clinical testing. Allele origin: germline. Not counted in ClinVar's aggregate classification.
Comment: This variant is classified as benign based on ACMG/AMP sequence variant interpretation guidelines (Richards et al. 2015 PMID: 25741868, with internal and published modifications).

NM_001447.3(FAT2):c.3367G>A (p.Val1123Ile)

Gene: FAT2 (FAT atypical cadherin 2; minus strand). Cytogenetic location: 5q33.1.
Variant type: single nucleotide variant.
Coding change: c.3367G>A on transcript NM_001447.3 (MANE Select); coding-DNA position 3367, G replaced by A.
Protein change: p.Val1123Ile; replaces valine 1123 with isoleucine.
Molecular consequence: missense variant.
Genome position (GRCh38, 1-based): chr5:151,563,532, C>T on the plus strand (G>A on the coding strand, the complement: FAT2 is on the minus strand). VCF-style: chr5-151563532-C-T. GRCh37 (hg19) VCF-style: chr5-150943093-C-T.
Other names: short protein forms V1123I.
Identifiers: ClinVar variation 3043485 (VCV003043485.3), dbSNP rs370598855, ClinGen allele CA3521853.